The following is an entry in ClinVar:

ClinVar aggregate classification (germline): Pathogenic. Review status: criteria provided, multiple submitters, no conflicts (2 of 4 stars). 10 submissions from 10 submitters: Pathogenic (9). 1 of the submissions does not count toward it. Last evaluated 2025-12-30.

Conditions:
Hereditary cancer-predisposing syndrome. Also called: Neoplastic Syndromes, Hereditary; Hereditary Cancer Syndrome; Tumor predisposition; Hereditary neoplastic syndrome. Identifiers: Orphanet 140162, MedGen C0027672, MeSH D009386, MONDO:0015356.
Ataxia-telangiectasia syndrome (AT). Also called: Ataxia-telangiectasia, complementation group D; AT, COMPLEMENTATION GROUP C; Ataxia-telangiectasia; ATAXIA-TELANGIECTASIA, COMPLEMENTATION GROUP A; ATAXIA-TELANGIECTASIA, FRESNO VARIANT; Ataxia-telangiectasia, complementation group E. Identifiers: Orphanet 100, MedGen C0004135, MONDO:0008840, OMIM 208900.
Familial cancer of breast. Also called: BREAST CANCER, FAMILIAL; hereditary breast carcinoma; Hereditary breast cancer. Identifiers: Orphanet 227535, MedGen C0346153, MONDO:0016419, OMIM 114480. Disease mechanism: loss of function.

Allele frequency attached by ClinVar (database versions not stated): gnomAD exomes below 0.00001.
gnomAD v4.1: 3 of 1,613,910 alleles (0.00019%); highest among the groups gnomAD compares: African/African-American, 0.0013%; no homozygotes.

Submissions (10):

Labcorp Genetics (formerly Invitae), Labcorp
Classification: Pathogenic for Ataxia-telangiectasia syndrome. Last evaluated: 2025-12-30. Review status: criteria provided, single submitter. Criteria: Invitae Variant Classification Sherloc (09022015). Collection method: clinical testing. Allele origin: germline.
Comment: This sequence change creates a premature translational stop signal (p.Glu2366*) in the ATM gene. It is expected to result in an absent or disrupted protein product. Loss-of-function variants in ATM are known to be pathogenic (PMID: 23807571, 25614872). This variant is present in population databases (rs587781672, gnomAD 0.0009%). This premature translational stop signal has been observed in individual(s) with ataxia-telangiectasia and hereditary breast cancer (PMID: 18321536, 25330149). ClinVar contains an entry for this variant (Variation ID: 141344). For these reasons, this variant has been classified as Pathogenic.

Color Diagnostics, LLC DBA Color Health
Classification: Pathogenic for Hereditary cancer-predisposing syndrome. Last evaluated: 2025-10-14. Review status: criteria provided, single submitter. Criteria: ACMG Guidelines, 2015. Collection method: clinical testing. Allele origin: germline.
Comment: This variant changes 1 nucleotide in exon 49 of the ATM gene, creating a premature translation stop signal. This variant is expected to result in an absent or non-functional protein product. This variant has been reported in an individual affected with Ataxia-Telangiectasia (PMID: 18321536). This variant has also been reported in an individual affected with breast cancer (PMID: 25330149). This variant has been identified in 1/251270 chromosomes in the general population by the Genome Aggregation Database (gnomAD). Loss of ATM function is a known mechanism of disease. Based on the available evidence, this variant is classified as Pathogenic.

Natera, Inc.
Classification: Pathogenic for Ataxia-telangiectasia. Last evaluated: 2025-07-22. Review status: criteria provided, single submitter. Criteria: Natera Variant Classification Schema (03/2026). Collection method: clinical testing. Allele origin: germline.
Comment: The c.7096G>T variant in ATM is a nonsense variant predicted to introduce a stop codon at amino acid 2366. This variant is expected to result in nonsense mediated decay, truncation, or a dysfunctional protein product. This variant is rare in the general population with a frequency below the threshold expected for the associated phenotype(s). This variant has been observed in one or more individuals affected with the associated recessive disease, as either homozygous or compound heterozygous with a second variant (PMID: 25077176). Given the available evidence, this variant is classified as Pathogenic.

Ambry Genetics
Classification: Pathogenic for Hereditary cancer-predisposing syndrome. Last evaluated: 2025-02-18. Review status: criteria provided, single submitter. Criteria: Ambry Variant Classification Scheme 2023. Collection method: clinical testing. Allele origin: germline.
Comment: The p.E2366* pathogenic mutation (also known as c.7096G>T) located in coding exon 48 of the ATM gene, results from a G to T substitution at nucleotide position 7096. This changes the amino acid from a glutamic acid to a stop codon within coding exon 48. This mutation was previously identified in an individual with ataxia-telangectasia using a protein truncation assay (Du L et al. Mutat. Res. 2008; 640:139-44). This mutation was also identified in one out of a series of 144 Polish patients with hereditary breast cancer (Cybulski C et al. Clin. Genet., 2015 Oct;88:366-70). In addition to the clinical data presented in the literature, this alteration is expected to result in loss of function by premature protein truncation or nonsense-mediated mRNA decay. As such, this alteration is interpreted as a disease-causing mutation.

Myriad Genetics, Inc.
Classification: Pathogenic for Familial cancer of breast. Last evaluated: 2024-01-30. Review status: criteria provided, single submitter. Criteria: Myriad Autosomal Dominant, Autosomal Recessive and X-Linked Classification Criteria (2023). Collection method: clinical testing. Allele origin: unknown.
Comment: This variant is considered pathogenic. This variant creates a termination codon and is predicted to result in premature protein truncation.

Baylor Genetics
Classification: Pathogenic for Familial cancer of breast. Last evaluated: 2023-09-02. Review status: criteria provided, single submitter. Criteria: ACMG Guidelines, 2015. Collection method: clinical testing. Allele origin: unknown.

GeneDx
Classification: Pathogenic. Last evaluated: 2023-02-23. Review status: criteria provided, single submitter. Criteria: GeneDx Variant Classification Process June 2021. Collection method: clinical testing. Allele origin: germline. Affected: yes.
Comment: Nonsense variant predicted to result in protein truncation or nonsense mediated decay in a gene for which loss-of-function is a known mechanism of disease; Observed in a patient with ataxia telangiectasia; however a second pathogenic variant was not detected (Du 2008); Not observed at a significant frequency in large population cohorts (gnomAD); Observed in individuals with a personal or family history of breast, prostate, and other cancers (Cybulski et al., 2015; Wokolorczyk et al., 2020); Truncating variants in this gene are considered pathogenic by a well-established clinical consortium and/or database; This variant is associated with the following publications: (PMID: 29922827, 25525159, 25330149, 32875559, 31173646, 23774824, 34299796, Howell_2021_Case Report, 18321536)

Centre for Mendelian Genomics, University Medical Centre Ljubljana
Classification: Pathogenic for Familial cancer of breast. Last evaluated: 2022-12-09. Review status: criteria provided, single submitter. Criteria: ACMG Guidelines, 2015. Collection method: research. Allele origin: germline. Affected: no.
Comment: PVS1, PM3_VSTR , PM2_SUP

Women's Health and Genetics/Laboratory Corporation of America, LabCorp
Classification: Pathogenic for Ataxia-telangiectasia syndrome. Last evaluated: 2018-11-23. Review status: criteria provided, single submitter. Criteria: LabCorp Variant Classification Summary - May 2015. Collection method: clinical testing. Allele origin: germline.
Comment: Variant summary: ATM c.7096G>T (p.Glu2366X) results in a premature termination codon, predicted to cause a truncation of the encoded protein or absence of the protein due to nonsense mediated decay, which are commonly known mechanisms for disease. The variant allele was found at a frequency of 4.1e-06 in 246208 control chromosomes. c.7096G>T has been reported in the literature in a compound heterozygous individual affected with Ataxia-Telangiectasia (Du 2008) and in a heterozygous individual affected with Breast Cancer (Cybulski 2015). At least two publications reported experimental evidence evaluating an impact on protein function, demonstrating the lack of protein, no ATM-dependent kinase activity and increased radiosensitivity in a patient derived lymphoblastoid cell line that carried the variant together with another truncating ATM variant (Du 2013, Nakamura 2014). Two clinical diagnostic laboratories have submitted clinical-significance assessments for this variant to ClinVar after 2014 without evidence for independent evaluation, and both laboratories classified the variant as pathogenic. Based on the evidence outlined above, the variant was classified as pathogenic.

Counsyl
Classification: Likely pathogenic for Ataxia-telangiectasia syndrome. Last evaluated: 2014-06-05. Review status: no assertion criteria provided. Collection method: literature only. Allele origin: unknown. Inheritance: Autosomal recessive inheritance. Not counted in ClinVar's aggregate classification.

Literature cited by the submitters: PubMed 23807571 (cited by Labcorp Genetics (formerly Invitae), Labcorp); PubMed 25614872 (cited by Labcorp Genetics (formerly Invitae), Labcorp); PubMed 18321536 (cited by 5 submitters); PubMed 25330149 (cited by 3 submitters); PubMed 25077176 (cited by Natera, Inc.); PubMed 31173646 (cited by Ambry Genetics); PubMed 29922827 (cited by Women's Health and Genetics/Laboratory Corporation of America, LabCorp); PubMed 23774824 (cited by Women's Health and Genetics/Laboratory Corporation of America, LabCorp and Counsyl).

NM_000051.4(ATM):c.7096G>T (p.Glu2366Ter)

Genes: ATM (ATM serine/threonine kinase; plus strand), C11orf65 (chromosome 11 open reading frame 65; minus strand). Cytogenetic location: 11q22.3.
Variant type: single nucleotide variant.
Coding change: c.7096G>T on transcript NM_000051.4 (MANE Select); coding-DNA position 7096, G replaced by T.
Protein change: p.Glu2366Ter; replaces glutamic acid 2366 with a stop codon.
Molecular consequence: nonsense. On other transcripts: intron variant (2).
Genome position (GRCh38, 1-based): chr11:108,329,027, G>T. VCF-style: chr11-108329027-G-T. GRCh37 (hg19) VCF-style: chr11-108199754-G-T.
Other names: c.7096G>T, p.Glu2366Ter (NM_001351834.2); c.641-19956C>A (NM_001330368.2); c.*38+6193C>A (NM_001351110.2); short protein forms E2366*.
Identifiers: ClinVar variation 141344 (VCV000141344.22), dbSNP rs587781672, ClinGen allele CA165161.
Genomic context (GRCh38, chr11:108,329,027, plus strand): 5'-TAGATGTATTTAGTATTTGTAAATATAATTTAAATTGGTTGTGTTTTCTTGAAGGCAGTA[G>T]AAGTTGCTGGAAATTATGATGGAGAAAGTAGTGATGAGCTAAGAAATGGAAAAATGAAGG-3'